The following is an entry in ClinVar:

ClinVar aggregate classification (germline): Uncertain significance. Review status: criteria provided, multiple submitters, no conflicts (2 of 4 stars). 3 submissions from 3 submitters: Uncertain significance (3). Last evaluated 2024-03-12.

Conditions:
Asphyxiating thoracic dystrophy 5 (SRTD5). Also called: SHORT-RIB THORACIC DYSPLASIA 5 WITH OR WITHOUT POLYDACTYLY; SHORT-RIB THORACIC DYSPLASIA 5 WITHOUT POLYDACTYLY. Identifiers: Orphanet 474, MedGen C3280598, MONDO:0013717, OMIM 614376.
Senior-Loken syndrome 8 (SLSN8). Identifiers: Orphanet 3156, MedGen C4225376, MONDO:0014579, OMIM 616307.
Retinitis pigmentosa (RP). Identifiers: Orphanet 791, MedGen C0035334, MeSH D012174, MONDO:0019200, OMIM 268000. Inheritance: Autosomal dominant, autosomal recessive and X linked inheritance.

Allele frequency attached by ClinVar (database versions not stated): gnomAD exomes below 0.00001 and 0.00002; TOPMed below 0.00001; ExAC 0.00001; gnomAD 0.00001.
gnomAD v4.1: 30 of 1,613,682 alleles (0.0019%); highest among the groups gnomAD compares: Non-Finnish European, 0.0025%; no homozygotes.

Submissions (3):

Blueprint Genetics
Classification: Uncertain significance. Last evaluated: 2024-03-12. Review status: criteria provided, single submitter. Criteria: ACMG Guidelines, 2015. Collection method: clinical testing. Allele origin: germline.

Broad Center for Mendelian Genomics, Broad Institute of MIT and Harvard
Classification: Uncertain significance for Retinitis pigmentosa. Last evaluated: 2021-04-01. Review status: criteria provided, single submitter. Criteria: ACMG Guidelines, 2015. Collection method: curation. Allele origin: germline. Inheritance: Autosomal recessive inheritance. Affected: yes.
Comment: Through a review of available evidence we were able to apply the following criteria: PM2, PP3. Based on this evidence we have classified this variant as a Variant of Uncertain Significance. If you have any questions about the classification please reach out to the Pierce Lab.

Labcorp Genetics (formerly Invitae), Labcorp
Classification: Uncertain significance for Senior-Loken syndrome 8; Asphyxiating thoracic dystrophy 5. Last evaluated: 2020-08-20. Review status: criteria provided, single submitter. Criteria: Invitae Variant Classification Sherloc (09022015). Collection method: clinical testing. Allele origin: germline.
Comment: In summary, the available evidence is currently insufficient to determine the role of this variant in disease. Therefore, it has been classified as a Variant of Uncertain Significance. Algorithms developed to predict the effect of missense changes on protein structure and function (SIFT, PolyPhen-2, Align-GVGD) all suggest that this variant is likely to be disruptive, but these predictions have not been confirmed by published functional studies and their clinical significance is uncertain. This variant has not been reported in the literature in individuals with WDR19-related conditions. This variant is present in population databases (rs774806370, ExAC 0.001%). This sequence change replaces histidine with proline at codon 1155 of the WDR19 protein (p.His1155Pro). The histidine residue is highly conserved and there is a moderate physicochemical difference between histidine and proline.

Literature cited by the submitters: PubMed 34906470 (cited by Broad Center for Mendelian Genomics, Broad Institute of MIT and Harvard).

NM_025132.4(WDR19):c.3464A>C (p.His1155Pro)

Gene: WDR19 (WD repeat domain 19; plus strand). Cytogenetic location: 4p14.
Variant type: single nucleotide variant.
Coding change: c.3464A>C on transcript NM_025132.4 (MANE Select); coding-DNA position 3464, A replaced by C.
Protein change: p.His1155Pro; replaces histidine 1155 with proline.
Molecular consequence: missense variant.
Genome position (GRCh38, 1-based): chr4:39,270,081, A>C. VCF-style: chr4-39270081-A-C. GRCh37 (hg19) VCF-style: chr4-39271701-A-C.
Other names: c.2984A>C, p.His995Pro (NM_001317924.2); short protein forms H1155P, H995P.
Identifiers: ClinVar variation 1062358 (VCV001062358.11), dbSNP rs774806370, ClinGen allele CA2892376.